The following is an entry in ClinVar:

NM_001114086.2(CLIC5):c.10G>A (p.Glu4Lys)

Gene: CLIC5 (CLIC family member 5; minus strand). Cytogenetic location: 6p21.1.
Variant type: single nucleotide variant.
Coding change: c.10G>A on transcript NM_001114086.2; coding-DNA position 10, G replaced by A.
Protein change: p.Glu4Lys; replaces glutamic acid 4 with lysine.
Molecular consequence: missense variant. On other transcripts: intron variant (1).
Genome position (GRCh38, 1-based): chr6:46,080,233, C>T on the plus strand (G>A on the coding strand, the complement: CLIC5 is on the minus strand). VCF-style: chr6-46080233-C-T. GRCh37 (hg19) VCF-style: chr6-46047970-C-T.
Other names: c.10G>A, p.Glu4Lys (NM_001370650.1); c.-55+49271G>A (NM_001370649.1); short protein forms E4K.
Identifiers: ClinVar variation 666620 (VCV000666620.15), dbSNP rs116755302, ClinGen allele CA3837005.

ClinVar aggregate classification (germline): Benign. Review status: criteria provided, multiple submitters, no conflicts (2 of 4 stars). 4 submissions from 4 submitters: Benign (4). Last evaluated 2026-01-19.

Allele frequency attached by ClinVar (database versions not stated): gnomAD 0.00545 and 0.00516; 1000 Genomes Project 30x 0.00578; TOPMed 0.00582; 1000 Genomes Project 0.00519.
gnomAD v4.1: 1,404 of 1,550,370 alleles (0.091%); highest among the groups gnomAD compares: African/African-American, 1.7%; 14 homozygotes.

Submissions (4):

Labcorp Genetics (formerly Invitae), Labcorp
Classification: Benign. Last evaluated: 2026-01-19. Review status: criteria provided, single submitter. Criteria: Invitae Variant Classification Sherloc (09022015). Collection method: clinical testing. Allele origin: germline.

Mayo Clinic Laboratories, Mayo Clinic
Classification: Benign. Last evaluated: 2025-03-24. Review status: criteria provided, single submitter. Criteria: ACMG Guidelines, 2015. Collection method: clinical testing. Allele origin: germline. Observed: 1 variant allele.
Comment: BA1, BS2

GeneDx
Classification: Benign. Last evaluated: 2019-08-13. Review status: criteria provided, single submitter. Criteria: GeneDx Variant Classification Process June 2021. Collection method: clinical testing. Allele origin: germline. Affected: yes.

Laboratory for Molecular Medicine, Mass General Brigham Personalized Medicine
Classification: Benign. Last evaluated: 2017-08-23. Review status: criteria provided, single submitter. Criteria: LMM Criteria. Collection method: clinical testing. Allele origin: germline. Observed: 1 variant allele.
Comment: p.Glu4Lys in exon 1 of CLIC5: This variant is not expected to have clinical sign ificance because it has been identified in 2.17% (45/2072) of African chromosome s by the Exome Aggregation Consortium (ExAC; dbS NP rs116755302).